The following is an entry in ClinVar:

ClinVar aggregate classification (germline): Uncertain significance (1 of 4 stars; one submission).

gnomAD v4.1: 156 of 1,613,514 alleles (0.0097%); highest among the groups gnomAD compares: Non-Finnish European, 0.012%; no homozygotes.

Submission:

GeneDx
Classification: Uncertain significance. Last evaluated: 2026-08-24. Review status: criteria provided, single submitter. Criteria: GeneDx Variant Classification Process June 2021. Collection method: clinical testing. Allele origin: germline.
Comment: Published functional studies show that this variant increases the amount of dihydrofluorouaracil; however, the in vitro enzyme activity was comparable to wildtype (PMID: 24648345); In silico analysis suggests that this missense variant does not alter protein structure/function; This variant is associated with the following publications: (PMID: 32707991, 24648345)

NM_000110.4(DPYD):c.3061G>C (p.Val1021Leu)

Gene: DPYD (dihydropyrimidine dehydrogenase; minus strand). Cytogenetic location: 1p21.3.
Variant type: single nucleotide variant.
Coding change: c.3061G>C on transcript NM_000110.4 (MANE Select); coding-DNA position 3061, G replaced by C.
Protein change: p.Val1021Leu; replaces valine 1021 with leucine.
Molecular consequence: missense variant.
Genome position (GRCh38, 1-based): chr1:97,078,993, C>G on the plus strand (G>C on the coding strand, the complement: DPYD is on the minus strand). VCF-style: chr1-97078993-C-G. GRCh37 (hg19) VCF-style: chr1-97544549-C-G.
Other names: short protein forms V1021L.
Identifiers: ClinVar variation 4071714 (VCV004071714.2).